The following is an entry in ClinVar:

NM_001034853.2(RPGR):c.309dup (p.Glu104fs)

Gene: RPGR (retinitis pigmentosa GTPase regulator; minus strand). Cytogenetic location: Xp11.4.
Variant type: Duplication.
Coding change: c.309dup on transcript NM_001034853.2 (MANE Select); coding-DNA position 309, one base duplicated (A; older notation c.309dupA).
Protein change: p.Glu104fs; shifts the reading frame from glutamic acid 104.
Molecular consequence: frameshift variant. On other transcripts: non-coding transcript variant (6).
Genome position (GRCh38, 1-based): chrX:38,321,028, T duplicated on the plus strand (A on the coding strand, the reverse complement: RPGR is on the minus strand). VCF-style (leftmost placement, unchanged base first): chrX-38321027-C-CT. GRCh37 (hg19) VCF-style: chrX-38180280-C-CT.
Other names: NM_001034853.2:c.309dup; c.309dup, p.Glu104fs (NM_000328.3, NM_001367245.1, NM_001367246.1 and 3 more transcripts); c.339dup, p.Glu114fs (NM_001367248.1); c.309dup, p.Gly104fs (NM_001367249.1); short protein forms E104fs, E114fs, G104fs.
Identifiers: ClinVar variation 5043498 (VCV005043498.1).
Genomic context (GRCh38, chrX:38,321,027, plus strand): 5'-CTGGAATGAGACCTCAGTTCTCAAAGTCAGGCAGGAAATCATACAGGTTGAGCACTATAC[C>CT]TGTTGACACCAGGGTGTGGTTCCTTCCACAGGCAGCTAATTTCACTTTTTCAGGTTTTAG-3'

ClinVar aggregate classification (germline): Pathogenic (3 of 4 stars; one submission).

Conditions:
RPGR-related retinopathy. Also called: RPGR retinopathy. Identifiers: MedGen CN305589, MONDO:0100437.

Submission:

ClinGen X-linked Inherited Retinal Disease Variant Curation Expert Panel, ClinGen
Classification: Pathogenic for RPGR-related retinopathy. Last evaluated: 2026-11-20. Review status: reviewed by expert panel. Criteria: ClinGen X LinkedIRD ACMG Specifications RPGR V1.0.0. Collection method: curation. Allele origin: germline. Inheritance: X-linked inheritance.
Comment: NM_001034853.2(RPGR):c.309dup (p.Glu104ArgfsTer12) is a frameshift variant caused by a 2 nucleotide duplication in exon 4 of 15, which introduces a premature stop codon after 12 amino acids that is predicted to either trigger nonsense-mediated decay (PVS1). This variant is absent from hemizygous individuals in gnomAD v4.1.2 (PM2_Supporting). At least one proband harboring this variant has a family history consistent with X-linked transmission (2 pts) with delayed or milder phenotype in female carriers (1 pt), and exhibits a phenotype including diagnosis of X-linked primary ciliary dyskinesia and retinitis pigmentosa before age 30 years, first decade onset of disease (1 pt), and night blindness (0.5 pts), however, neither electroretinogram nor fundus autofluorescence results were available, so PP4 was not met (4.5 total points, PMID: 38333087). The variant has been reported to segregate with retinal dystrophy through at least 3 affected meioses from 1 family (PMID: 38333087) (PP1_Moderate). In summary, this variant is classified as pathogenic for RPGR-related retinopathy based on the ClinGen X-linked Inherited Retinal Disease Expert Panel Specifications to the ACMG/AMP Variant Interpretation Guidelines for RPGR Version 1.0.0; PVS1, PP1_Moderate, and PM2_Supporting.